The following is an entry in ClinVar:

ClinVar aggregate classification (germline): Uncertain significance (1 of 4 stars; one submission).

gnomAD v4.1: 2 of 1,610,882 alleles (0.00012%); highest among the groups gnomAD compares: Admixed American, 0.0017%; no homozygotes.

Submission:

Ambry Genetics
Classification: Uncertain significance. Last evaluated: 2025-11-22. Review status: criteria provided, single submitter. Criteria: Ambry Variant Classification Scheme 2023. Collection method: clinical testing. Allele origin: germline.
Comment: The p.T19A variant (also known as c.55A>G), located in coding exon 1 of the MC1R gene, results from an A to G substitution at nucleotide position 55. The threonine at codon 19 is replaced by alanine, an amino acid with similar properties. This amino acid position is conserved. In addition, this alteration is predicted to be tolerated by in silico analysis. Based on the available evidence, the clinical significance of this variant remains unclear.

NM_002386.4(MC1R):c.55A>G (p.Thr19Ala)

Gene: MC1R (melanocortin 1 receptor; plus strand). Cytogenetic location: 16q24.3.
Variant type: single nucleotide variant.
Coding change: c.55A>G on transcript NM_002386.4 (MANE Select); coding-DNA position 55, A replaced by G.
Protein change: p.Thr19Ala; replaces threonine 19 with alanine.
Molecular consequence: missense variant.
Genome position (GRCh38, 1-based): chr16:89,919,313, A>G. VCF-style: chr16-89919313-A-G. GRCh37 (hg19) VCF-style: chr16-89985721-A-G.
Other names: short protein forms T19A.
Identifiers: ClinVar variation 4550316 (VCV004550316.1).
Genomic context (GRCh38, chr16:89,919,313, plus strand): 5'-AGGACTATGGCTGTGCAGGGATCCCAGAGAAGACTTCTGGGCTCCCTCAACTCCACCCCC[A>G]CAGCCATCCCCCAGCTGGGGCTGGCTGCCAACCAGACAGGAGCCCGGTGCCTGGAGGTGT-3'
Protein context (NP_002377.4, residues 9-29): RLLGSLNSTP[Thr19Ala]AIPQLGLAAN